The following is an entry in ClinVar:

ClinVar aggregate classification (germline): Conflicting classifications of pathogenicity. Review status: criteria provided, conflicting classifications (1 of 4 stars). 2 submissions from 2 submitters: Uncertain significance (1); Likely benign (1). Last evaluated 2022-06-01.

Conditions:
Gaze palsy, familial horizontal, with progressive scoliosis 1 (HGPPS1). Identifiers: Orphanet 2744, MedGen C4551964, MONDO:0020790, OMIM 607313.

Allele frequency attached by ClinVar (database versions not stated): gnomAD 0.00002 and 0.00003; gnomAD exomes 0.00002; TOPMed 0.00003; ExAC 0.00004; ESP Exome Variant Server 0.00008.
gnomAD v4.1: 35 of 1,572,836 alleles (0.0022%); highest among the groups gnomAD compares: Middle Eastern, 0.033%; no homozygotes.

Submissions (2):

CeGaT Center for Human Genetics Tuebingen
Classification: Likely benign. Last evaluated: 2022-06-01. Review status: criteria provided, single submitter. Criteria: CeGaT Center For Human Genetics Tuebingen Variant Classification Criteria Version 2. Collection method: clinical testing. Allele origin: germline. Affected: yes. Observed: 1 variant allele.
Comment: ROBO3: BP4, BP7

Illumina Laboratory Services, Illumina
Classification: Uncertain significance for Gaze palsy, familial horizontal, with progressive scoliosis 1. Last evaluated: 2018-01-13. Review status: criteria provided, single submitter. Criteria: ICSL Variant Classification Criteria 13 December 2019. Collection method: clinical testing. Allele origin: germline.

NM_022370.4(ROBO3):c.637A>C (p.Arg213=)

Gene: ROBO3 (roundabout guidance receptor 3; plus strand). Cytogenetic location: 11q24.2.
Variant type: single nucleotide variant.
Coding change: c.637A>C on transcript NM_022370.4 (MANE Select); coding-DNA position 637, A replaced by C.
Protein change: p.Arg213=; no amino-acid change (arginine 213 retained).
Molecular consequence: synonymous variant.
Genome position (GRCh38, 1-based): chr11:124,869,599, A>C. VCF-style: chr11-124869599-A-C. GRCh37 (hg19) VCF-style: chr11-124739495-A-C.
Identifiers: ClinVar variation 303225 (VCV000303225.29), dbSNP rs373366899, ClinGen allele CA6343227.